The following is an entry in ClinVar:

NM_001042545.2(LTBP4):c.3066C>T (p.Cys1022=)

Gene: LTBP4 (latent transforming growth factor beta binding protein 4; plus strand). Cytogenetic location: 19q13.2.
Variant type: single nucleotide variant.
Coding change: c.3066C>T on transcript NM_001042545.2 (MANE Select); coding-DNA position 3066, C replaced by T.
Protein change: p.Cys1022=; no amino-acid change (cysteine 1022 retained).
Molecular consequence: synonymous variant.
Genome position (GRCh38, 1-based): chr19:40,617,221, C>T. VCF-style: chr19-40617221-C-T. GRCh37 (hg19) VCF-style: chr19-41123126-C-T.
Other names: c.3267C>T, p.Cys1089= (NM_001042544.1); c.3156C>T, p.Cys1052= (NM_003573.2).
Identifiers: ClinVar variation 163948 (VCV000163948.11), dbSNP rs727503154, ClinGen allele CA176688.

ClinVar aggregate classification (germline): Likely benign. Review status: criteria provided, multiple submitters, no conflicts (2 of 4 stars). 2 submissions from 2 submitters: Likely benign (2). Last evaluated 2025-11-25.

Allele frequency attached by ClinVar (database versions not stated): gnomAD exomes 0.00001; ExAC 0.00002; gnomAD 0.00003 and 0.00004; TOPMed 0.00003.
gnomAD v4.1: 23 of 1,612,706 alleles (0.0014%); highest among the groups gnomAD compares: East Asian, 0.011%; no homozygotes.

Submissions (2):

Labcorp Genetics (formerly Invitae), Labcorp
Classification: Likely benign. Last evaluated: 2025-11-25. Review status: criteria provided, single submitter. Criteria: Invitae Variant Classification Sherloc (09022015). Collection method: clinical testing. Allele origin: germline.

Laboratory for Molecular Medicine, Mass General Brigham Personalized Medicine
Classification: Likely benign. Last evaluated: 2014-09-04. Review status: criteria provided, single submitter. Criteria: LMM Criteria. Collection method: clinical testing. Allele origin: germline. Observed: 1 variant allele.
Comment: Cys1089Cys in exon 24 of LTBP4: This variant is not expected to have clinical si gnificance because it does not alter an amino acid residue and is not located wi thin the splice consensus sequence.